The following is an entry in ClinVar:

ClinVar aggregate classification (germline): Uncertain significance. Review status: criteria provided, multiple submitters, no conflicts (2 of 4 stars). 2 submissions from 2 submitters: Uncertain significance (2). Last evaluated 2022-02-08.

Conditions:
Joubert syndrome. Also called: Familial aplasia of the vermis; CEREBELLOPARENCHYMAL DISORDER IV; JOUBERT-BOLTSHAUSER SYNDROME. Identifiers: Orphanet 475, MedGen C5979921, MONDO:0018772.
Meckel-Gruber syndrome. Also called: Dysencephalia splachnocystica; DYSENCEPHALIA SPLANCHNOCYSTICA; GRUBER SYNDROME. Identifiers: Orphanet 564, MedGen C0265215, MONDO:0018921.
Joubert syndrome 7 (JBTS7). Identifiers: Orphanet 220497, MedGen C1969053, MONDO:0012694, OMIM 611560.
Meckel syndrome, type 5 (MKS5). Identifiers: Orphanet 564, MedGen C1969052, MONDO:0012695, OMIM 611561.
COACH syndrome 3. Identifiers: MedGen C5436841, MONDO:0030862, OMIM 619113.

Allele frequency attached by ClinVar (database versions not stated): gnomAD 0.00001; gnomAD exomes 0.00001; TOPMed 0.00001; ExAC 0.00002.

Submissions (2):

Fulgent Genetics
Classification: Uncertain significance for Joubert syndrome 7; Meckel syndrome, type 5; COACH syndrome 3. Last evaluated: 2022-02-08. Review status: criteria provided, single submitter. Criteria: ACMG Guidelines, 2015. Collection method: clinical testing. Allele origin: unknown.

Labcorp Genetics (formerly Invitae), Labcorp
Classification: Uncertain significance for Joubert syndrome; Meckel-Gruber syndrome. Last evaluated: 2021-09-02. Review status: criteria provided, single submitter. Criteria: Invitae Variant Classification Sherloc (09022015). Collection method: clinical testing. Allele origin: germline.
Comment: This sequence change replaces serine with phenylalanine at codon 337 of the RPGRIP1L protein (p.Ser337Phe). The serine residue is highly conserved and there is a large physicochemical difference between serine and phenylalanine. This variant is present in population databases (rs747867189, ExAC 0.003%). This variant has not been reported in the literature in individuals affected with RPGRIP1L-related conditions. Algorithms developed to predict the effect of missense changes on protein structure and function are either unavailable or do not agree on the potential impact of this missense change (SIFT: "Deleterious"; PolyPhen-2: "Possibly Damaging"; Align-GVGD: "Class C0"). In summary, the available evidence is currently insufficient to determine the role of this variant in disease. Therefore, it has been classified as a Variant of Uncertain Significance.

NM_015272.5(RPGRIP1L):c.1010C>T (p.Ser337Phe)

Gene: RPGRIP1L (RPGRIP1 like; minus strand). Cytogenetic location: 16q12.2.
Variant type: single nucleotide variant.
Coding change: c.1010C>T on transcript NM_015272.5 (MANE Select); coding-DNA position 1010, C replaced by T.
Protein change: p.Ser337Phe; replaces serine 337 with phenylalanine.
Molecular consequence: missense variant.
Genome position (GRCh38, 1-based): chr16:53,672,889, G>A on the plus strand (C>T on the coding strand, the complement: RPGRIP1L is on the minus strand). VCF-style: chr16-53672889-G-A. GRCh37 (hg19) VCF-style: chr16-53706801-G-A.
Other names: c.1010C>T, p.Ser337Phe (NM_001127897.4, NM_001308334.3, NM_001330538.2); short protein forms S337F.
Identifiers: ClinVar variation 1010086 (VCV001010086.7), dbSNP rs747867189, ClinGen allele CA8057960.